The following is an entry in ClinVar:

NM_000632.4(ITGAM):c.1081T>G (p.Ser361Ala)

Gene: ITGAM (integrin subunit alpha M; plus strand). Cytogenetic location: 16p11.2.
Variant type: single nucleotide variant.
Coding change: c.1081T>G on transcript NM_000632.4 (MANE Select); coding-DNA position 1081, T replaced by G.
Protein change: p.Ser361Ala; replaces serine 361 with alanine.
Molecular consequence: missense variant.
Genome position (GRCh38, 1-based): chr16:31,276,742, T>G. VCF-style: chr16-31276742-T-G. GRCh37 (hg19) VCF-style: chr16-31288063-T-G.
Other names: c.1081T>G, p.Ser361Ala (NM_001145808.2); short protein forms S361A.
Identifiers: ClinVar variation 2415784 (VCV002415784.6), dbSNP rs2544396450, ClinGen allele CA395698610.

ClinVar aggregate classification (germline): Uncertain significance (1 of 4 stars; one submission).

gnomAD v4.1: 1 of 1,609,368 alleles (0.000062%); no homozygotes.

Submission:

Labcorp Genetics (formerly Invitae), Labcorp
Classification: Uncertain significance. Last evaluated: 2024-07-30. Review status: criteria provided, single submitter. Criteria: Invitae Variant Classification Sherloc (09022015). Collection method: clinical testing. Allele origin: germline.
Comment: This sequence change replaces serine, which is neutral and polar, with alanine, which is neutral and non-polar, at codon 361 of the ITGAM protein (p.Ser361Ala). This variant is not present in population databases (gnomAD no frequency). This variant has not been reported in the literature in individuals affected with ITGAM-related conditions. ClinVar contains an entry for this variant (Variation ID: 2415784). An algorithm developed to predict the effect of missense changes on protein structure and function outputs the following: PolyPhen-2: "Benign". The alanine amino acid residue is found in multiple mammalian species, which suggests that this missense change does not adversely affect protein function. In summary, the available evidence is currently insufficient to determine the role of this variant in disease. Therefore, it has been classified as a Variant of Uncertain Significance.